The following is an entry in ClinVar:

ClinVar aggregate classification (germline): Pathogenic (1 of 4 stars; one submission).

Conditions:
Neurofibromatosis, type 1 (NF1). Also called: VON RECKLINGHAUSEN DISEASE; NEUROFIBROMATOSIS, TYPE I, SOMATIC; Neurofibromatosis, type I; Peripheral type neurofibromatosis. Identifiers: Orphanet 636, MedGen C0027831, MONDO:0018975, OMIM 162200. Disease mechanism: loss of function.

Submission:

Labcorp Genetics (formerly Invitae), Labcorp
Classification: Pathogenic for Neurofibromatosis, type 1. Last evaluated: 2020-11-15. Review status: criteria provided, single submitter. Criteria: Invitae Variant Classification Sherloc (09022015). Collection method: clinical testing. Allele origin: germline.
Comment: For these reasons, this variant has been classified as Pathogenic. This variant has not been reported in the literature in individuals with NF1-related conditions. This variant is not present in population databases (ExAC no frequency). This sequence change creates a premature translational stop signal (p.Thr2179Ilefs*41) in the NF1 gene. It is expected to result in an absent or disrupted protein product. Loss-of-function variants in NF1 are known to be pathogenic (PMID: 10712197, 23913538).

Literature cited by the submitters: PubMed 10712197; PubMed 23913538.

NM_001042492.3(NF1):c.6599_6600del (p.Thr2200fs)

Gene: NF1 (neurofibromin 1; plus strand). Cytogenetic location: 17q11.2.
Variant type: Deletion.
Coding change: c.6599_6600del on transcript NM_001042492.3 (MANE Select); coding-DNA positions 6599 to 6600, 2 bases deleted (CA; older notation c.6599_6600delCA).
Protein change: p.Thr2200fs; shifts the reading frame from threonine 2200.
Molecular consequence: frameshift variant.
Genome position (GRCh38, 1-based): chr17:31,337,539-31,337,540, CA deleted; deleting any 2 consecutive bases within chr17:31,337,538-31,337,540 gives the same sequence; the c. name uses the placement nearest the transcript's 3' end. VCF-style (leftmost placement, unchanged base first): chr17-31337537-GAC-G. GRCh37 (hg19) VCF-style: chr17-29664555-GAC-G.
Other names: c.6536_6537delCA, p.Thr2179Ilefs (NM_000267.4); short protein forms T2179fs, T2200fs.
Identifiers: ClinVar variation 1428807 (VCV001428807.6), dbSNP rs2151556510, ClinGen allele CA2573153845.